The following is an entry in ClinVar:

ClinVar aggregate classification (germline): Uncertain significance (1 of 4 stars; one submission).

gnomAD v4.1: 15 of 1,522,414 alleles (0.00099%); highest among the groups gnomAD compares: African/African-American, 0.0014%; no homozygotes.

Submission:

Ambry Genetics
Classification: Uncertain significance. Last evaluated: 2025-04-11. Review status: criteria provided, single submitter. Criteria: Ambry Variant Classification Scheme 2023. Collection method: clinical testing. Allele origin: germline.
Comment: The p.R1186W variant (also known as c.3556C>T), located in coding exon 14 of the WNK2 gene, results from a C to T substitution at nucleotide position 3556. The arginine at codon 1186 is replaced by tryptophan, an amino acid with dissimilar properties. This amino acid position is conserved. In addition, this alteration is predicted to be tolerated by in silico analysis. Based on the available evidence, the clinical significance of this variant remains unclear.

NM_006648.4(WNK2):c.3556C>T (p.Arg1186Trp)

Gene: WNK2 (WNK lysine deficient protein kinase 2; plus strand). Cytogenetic location: 9q22.31.
Variant type: single nucleotide variant.
Coding change: c.3556C>T on transcript NM_006648.4 (MANE Select); coding-DNA position 3556, C replaced by T.
Protein change: p.Arg1186Trp; replaces arginine 1186 with tryptophan.
Molecular consequence: missense variant.
Genome position (GRCh38, 1-based): chr9:93,263,711, C>T. VCF-style: chr9-93263711-C-T. GRCh37 (hg19) VCF-style: chr9-96025993-C-T.
Other names: c.3556C>T, p.Arg1186Trp (NM_001282394.3); short protein forms R1186W.
Identifiers: ClinVar variation 3981859 (VCV003981859.1).
Genomic context (GRCh38, chr9:93,263,711, plus strand): 5'-GCAGCCCGAAAACACCACCGCAGGTCCACGCGTGCGCGCTCCCGGCAGGAGAGGGCCAGC[C>T]GGCCCCGGCTTACCATCTTGAACGTGAGTGGGCGGGGCGTGGCGGGGGTGTGGTGGGGGT-3'
Protein context (NP_006639.3, residues 1176-1196): RARSRQERAS[Arg1186Trp]PRLTILNVCN